The following is an entry in ClinVar:

NM_000088.4(COL1A1):c.589-7TC[3]

Gene: COL1A1 (collagen type I alpha 1 chain; minus strand). Cytogenetic location: 17q21.33.
Variant type: Microsatellite.
Coding change: c.589-7TC[3] on transcript NM_000088.4 (MANE Select); three copies in a row of the 2-base unit TC starting at c.589-7; the reference has two copies in a row; one copy, 2 bases duplicated.
Molecular consequence: intron variant.
Genome position (GRCh38, 1-based): chr17:50,198,006-50,198,007, GA duplicated on the plus strand (TC on the coding strand, the reverse complement: COL1A1 is on the minus strand); duplicating any 2 consecutive bases within chr17:50,198,006-50,198,009 gives the same sequence; the position shown is the placement nearest the transcript's 3' end. VCF-style (leftmost placement, unchanged base first): chr17-50198005-T-TGA. GRCh37 (hg19) VCF-style: chr17-48275366-T-TGA.
Identifiers: ClinVar variation 1879376 (VCV001879376.32), dbSNP rs755136370, ClinGen allele CA8645639.
Genomic context (GRCh38, chr17:50,198,005, plus strand): 5'-TTACTGAAGCTCCAGGCTCGCCAGGCTCACCAGGGGGACCTTGGAAGCCTTGGGGACCCT[T>TGA]GAGAAGAAGGAAAAAGATGGGTTAGAAGACAAGTCCCTGTCAACCTTCTCCAATCTTACC-3'

ClinVar aggregate classification (germline): Likely benign. Review status: criteria provided, multiple submitters, no conflicts (2 of 4 stars). 2 submissions from 2 submitters: Likely benign (2). Last evaluated 2023-06-29.

Conditions:
Osteogenesis imperfecta type I (OI1). Also called: Classic Non-deforming Osteogenesis Imperfecta with Blue Sclerae; OI, TYPE I; OSTEOGENESIS IMPERFECTA TARDA; OSTEOGENESIS IMPERFECTA WITH BLUE SCLERAE; Osteogenesis imperfecta type 1; Lobstein's Disease. Identifiers: Orphanet 216796, Orphanet 666, MedGen C0023931, MONDO:0008146, OMIM 166200. Disease mechanism: loss of function.

Submissions (2):

Labcorp Genetics (formerly Invitae), Labcorp
Classification: Likely benign for Osteogenesis imperfecta type I. Last evaluated: 2023-06-29. Review status: criteria provided, single submitter. Criteria: Invitae Variant Classification Sherloc (09022015). Collection method: clinical testing. Allele origin: germline.

CeGaT Center for Human Genetics Tuebingen
Classification: Likely benign. Last evaluated: 2022-10-01. Review status: criteria provided, single submitter. Criteria: CeGaT Center For Human Genetics Tuebingen Variant Classification Criteria Version 2. Collection method: clinical testing. Allele origin: germline. Affected: yes. Observed: 1 variant allele.
Comment: COL1A1: BP4, BS2